The following is an entry in ClinVar:

ClinVar aggregate classification (germline): Pathogenic (1 of 4 stars; one submission).

Conditions:
Multiple endocrine neoplasia, type 1 (MEN1). Also called: MEN I; WERMER SYNDROME; Endocrine adenomatosis multiple; MEN 1; MEA I. Identifiers: Orphanet 652, MedGen C0025267, MeSH D018761, MONDO:0007540, OMIM 131100.

Submission:

Labcorp Genetics (formerly Invitae), Labcorp
Classification: Pathogenic for Multiple endocrine neoplasia, type 1. Last evaluated: 2021-09-17. Review status: criteria provided, single submitter. Criteria: Invitae Variant Classification Sherloc (09022015). Collection method: clinical testing. Allele origin: germline.
Comment: For these reasons, this variant has been classified as Pathogenic. This variant disrupts the p.His139 amino acid residue in MEN1. Other variant(s) that disrupt this residue have been observed in individuals with MEN1-related conditions (PMID: 10617276, 12746426, 21917868), which suggests that this may be a clinically significant amino acid residue. Experimental studies have shown that this missense change affects MEN1 function (PMID: 12112656, 12509449, 19074834). Algorithms developed to predict the effect of missense changes on protein structure and function are either unavailable or do not agree on the potential impact of this missense change (SIFT: "Deleterious"; PolyPhen-2: "Probably Damaging"; Align-GVGD: "Class C0"). ClinVar contains an entry for this variant (Variation ID: 952776). This missense change has been observed in individuals with MEN1-related disease (PMID: 9215689, 30324798; Invitae). This variant is not present in population databases (ExAC no frequency). This sequence change replaces histidine with tyrosine at codon 139 of the MEN1 protein (p.His139Tyr). The histidine residue is highly conserved and there is a moderate physicochemical difference between histidine and tyrosine.

Literature cited by the submitters: PubMed 10617276; PubMed 12746426; PubMed 21917868; PubMed 12112656; PubMed 12509449; PubMed 19074834; PubMed 9215689; PubMed 30324798.

NM_001370259.2(MEN1):c.415C>T (p.His139Tyr)

Gene: MEN1 (menin 1; minus strand). Cytogenetic location: 11q13.1.
Variant type: single nucleotide variant.
Coding change: c.415C>T on transcript NM_001370259.2 (MANE Select); coding-DNA position 415, C replaced by T.
Protein change: p.His139Tyr; replaces histidine 139 with tyrosine.
Molecular consequence: missense variant.
Genome position (GRCh38, 1-based): chr11:64,809,695, G>A on the plus strand (C>T on the coding strand, the complement: MEN1 is on the minus strand). VCF-style: chr11-64809695-G-A. GRCh37 (hg19) VCF-style: chr11-64577167-G-A.
Other names: c.415C>T, p.His139Tyr (NM_000244.4, NM_001370251.2, NM_001370260.2 and 9 more transcripts); short protein forms H139Y.
Identifiers: ClinVar variation 952776 (VCV000952776.7), dbSNP rs104894263, ClinGen allele CA381186801.
Genomic context (GRCh38, chr11:64,809,695, plus strand): 5'-GGATAAGATTCCCACCTACTGGGCTCCAACCTGTGATGAAGCTGAAGAGGGACTGGATGT[G>A]GGCCCGATCCTTGAAGTAGGAGCGGCTGAGGCTGTTCCATATGACATCGGAGACCTTCTT-3'
Protein context (NP_001357188.2, residues 129-149): LSRSYFKDRA[His139Tyr]IQSLFSFITG